The following is an entry in ClinVar:

ClinVar aggregate classification (germline): Likely benign. Review status: criteria provided, single submitter (1 of 4 stars). 2 submissions from 2 submitters: Likely benign (1). 1 of the submissions does not count toward it. Last evaluated 2018-04-07.

Conditions:
TNFRSF25-related disorder. Also called: TNFRSF25-related condition.

Allele frequency attached by ClinVar (database versions not stated): 1000 Genomes Project 30x 0.00078; 1000 Genomes Project 0.00100; gnomAD exomes 0.00123 and 0.00220; ExAC 0.00143; gnomAD 0.00145 and 0.00205; ESP Exome Variant Server 0.00161; TOPMed 0.00216.
gnomAD v4.1: 3,440 of 1,595,928 alleles (0.22%); highest among the groups gnomAD compares: Non-Finnish European, 0.27%; 9 homozygotes.

Submissions (2):

Labcorp Genetics (formerly Invitae), Labcorp
Classification: Likely benign. Last evaluated: 2018-04-07. Review status: criteria provided, single submitter. Criteria: Invitae Variant Classification Sherloc (09022015). Collection method: clinical testing. Allele origin: germline.

PreventionGenetics, part of Exact Sciences
Classification: Likely benign for TNFRSF25-related condition. Last evaluated: 2019-03-27. Review status: no assertion criteria provided. Collection method: clinical testing. Allele origin: germline. Not counted in ClinVar's aggregate classification.
Comment: This variant is classified as likely benign based on ACMG/AMP sequence variant interpretation guidelines (Richards et al. 2015 PMID: 25741868, with internal and published modifications).

NM_003790.3(TNFRSF25):c.745-10T>C

Gene: TNFRSF25 (TNF receptor superfamily member 25; minus strand). Cytogenetic location: 1p36.31.
Variant type: single nucleotide variant.
Coding change: c.745-10T>C on transcript NM_003790.3 (MANE Select); 10 bases into the intron before coding-DNA position 745, T replaced by C.
Molecular consequence: intron variant.
Genome position (GRCh38, 1-based): chr1:6,462,184, A>G on the plus strand (T>C on the coding strand, the complement: TNFRSF25 is on the minus strand). VCF-style: chr1-6462184-A-G. GRCh37 (hg19) VCF-style: chr1-6522244-A-G.
Other names: c.196-10T>C (NM_148970.2); c.610-10T>C (NM_148967.2); c.634-10T>C (NM_148966.2); c.772-10T>C (NM_148965.2).
Identifiers: ClinVar variation 789686 (VCV000789686.5), dbSNP rs61780714, ClinGen allele CA560723.